The following is an entry in ClinVar:

ClinVar aggregate classification (germline): Uncertain significance (1 of 4 stars; one submission).

Conditions:
Brugada syndrome. Also called: Sudden Unexplained Death Syndrome; Sudden Unexplained Nocturnal Death Syndrome (SUNDS); Sudden unexplained nocturnal death syndrome; Sudden unexpected nocturnal death syndrome. Identifiers: Orphanet 130, MedGen C1142166, MONDO:0015263.

gnomAD v4.1: 1 of 1,613,724 alleles (0.000062%); highest among the groups gnomAD compares: Admixed American, 0.0017%; no homozygotes.

Submission:

Labcorp Genetics (formerly Invitae), Labcorp
Classification: Uncertain significance for Brugada syndrome. Last evaluated: 2025-08-22. Review status: criteria provided, single submitter. Criteria: Invitae Variant Classification Sherloc (09022015). Collection method: clinical testing. Allele origin: germline.
Comment: This sequence change replaces leucine, which is neutral and non-polar, with arginine, which is basic and polar, at codon 183 of the GPD1L protein (p.Leu183Arg). This variant is present in population databases (rs753610703, gnomAD 0.003%). This variant has not been reported in the literature in individuals affected with GPD1L-related conditions. Invitae Evidence Modeling of protein sequence and biophysical properties (such as structural, functional, and spatial information, amino acid conservation, physicochemical variation, residue mobility, and thermodynamic stability) indicates that this missense variant is expected to disrupt GPD1L protein function with a positive predictive value of 80%. In summary, the available evidence is currently insufficient to determine the role of this variant in disease. Therefore, it has been classified as a Variant of Uncertain Significance.

NM_015141.4(GPD1L):c.548T>G (p.Leu183Arg)

Gene: GPD1L (glycerol-3-phosphate dehydrogenase 1 like; plus strand). Cytogenetic location: 3p22.3.
Variant type: single nucleotide variant.
Coding change: c.548T>G on transcript NM_015141.4 (MANE Select); coding-DNA position 548, T replaced by G.
Protein change: p.Leu183Arg; replaces leucine 183 with arginine.
Molecular consequence: missense variant.
Genome position (GRCh38, 1-based): chr3:32,146,664, T>G. VCF-style: chr3-32146664-T-G. GRCh37 (hg19) VCF-style: chr3-32188156-T-G.
Other names: short protein forms L183R.
Identifiers: ClinVar variation 4752327 (VCV004752327.1).